The following is an entry in ClinVar:

ClinVar aggregate classification (germline): Uncertain significance (1 of 4 stars; one submission).

Allele frequency attached by ClinVar (database versions not stated): gnomAD exomes below 0.00001; TOPMed 0.00002; gnomAD 0.00002; ESP Exome Variant Server 0.00008.
gnomAD v4.1: 3 of 1,613,992 alleles (0.00019%); highest among the groups gnomAD compares: African/African-American, 0.004%; no homozygotes.

Submission:

Labcorp Genetics (formerly Invitae), Labcorp
Classification: Uncertain significance. Last evaluated: 2026-01-28. Review status: criteria provided, single submitter. Criteria: Invitae Variant Classification Sherloc (09022015). Collection method: clinical testing. Allele origin: germline.
Comment: This sequence change replaces alanine, which is neutral and non-polar, with serine, which is neutral and polar, at codon 400 of the GABRB1 protein (p.Ala400Ser). This variant is present in population databases (rs144532495, gnomAD 0.004%). This variant has not been reported in the literature in individuals affected with GABRB1-related conditions. ClinVar contains an entry for this variant (Variation ID: 1447274). Invitae Evidence Modeling of protein sequence and biophysical properties (such as structural, functional, and spatial information, amino acid conservation, physicochemical variation, residue mobility, and thermodynamic stability) indicates that this missense variant is not expected to disrupt GABRB1 protein function with a negative predictive value of 95%. In summary, the available evidence is currently insufficient to determine the role of this variant in disease. Therefore, it has been classified as a Variant of Uncertain Significance.

NM_000812.4(GABRB1):c.1198G>T (p.Ala400Ser)

Gene: GABRB1 (gamma-aminobutyric acid type A receptor subunit beta1; plus strand). Cytogenetic location: 4p12.
Variant type: single nucleotide variant.
Coding change: c.1198G>T on transcript NM_000812.4 (MANE Select); coding-DNA position 1198, G replaced by T.
Protein change: p.Ala400Ser; replaces alanine 400 with serine.
Molecular consequence: missense variant.
Genome position (GRCh38, 1-based): chr4:47,425,791, G>T. VCF-style: chr4-47425791-G-T. GRCh37 (hg19) VCF-style: chr4-47427808-G-T.
Other names: short protein forms A400S.
Identifiers: ClinVar variation 1447274 (VCV001447274.6), dbSNP rs144532495, ClinGen allele CA96624698.